The following is an entry in ClinVar:

NM_000258.3(MYL3):c.401_405dup (p.Gly136fs)

Gene: MYL3 (myosin light chain 3; minus strand). Cytogenetic location: 3p21.31.
Variant type: Duplication.
Coding change: c.401_405dup on transcript NM_000258.3 (MANE Select); coding-DNA positions 401 to 405, 5 bases duplicated (TGGAG; older notation c.401_405dupTGGAG).
Protein change: p.Gly136fs; shifts the reading frame from glycine 136.
Molecular consequence: frameshift variant.
Genome position (GRCh38, 1-based): chr3:46,859,551-46,859,555, CTCCA duplicated on the plus strand (TGGAG on the coding strand, the reverse complement: MYL3 is on the minus strand); duplicating any 5 consecutive bases within chr3:46,859,551-46,859,556 gives the same sequence; the c. name uses the placement nearest the transcript's 3' end. VCF-style (leftmost placement, unchanged base first): chr3-46859550-C-CCTCCA. GRCh37 (hg19) VCF-style: chr3-46901040-C-CCTCCA.
Other names: short protein forms G136fs.
Identifiers: ClinVar variation 935720 (VCV000935720.4), dbSNP rs1701967931, ClinGen allele CA1139658040.

ClinVar aggregate classification (germline): Uncertain significance (1 of 4 stars; one submission).

Conditions:
Hypertrophic cardiomyopathy. Also called: HYPERTROPHIC MYOCARDIOPATHY. Identifiers: Orphanet 217569, MedGen C0007194, MeSH D002312, MONDO:0005045, HP:0001639.

Submission:

Labcorp Genetics (formerly Invitae), Labcorp
Classification: Uncertain significance for Hypertrophic cardiomyopathy. Last evaluated: 2019-06-24. Review status: criteria provided, single submitter. Criteria: Invitae Variant Classification Sherloc (09022015). Collection method: clinical testing. Allele origin: germline.
Comment: This sequence change creates a premature translational stop signal (p.Gly136Trpfs*31) in the MYL3 gene. It is expected to result in an absent or disrupted protein product. This variant is not present in population databases (ExAC no frequency). This variant has not been reported in the literature in individuals with MYL3-related conditions. The current clinical and genetic evidence is not sufficient to establish whether loss-of-function variants in MYL3 cause disease. In summary, the available evidence is currently insufficient to determine the role of this variant in disease. Therefore, it has been classified as a Variant of Uncertain Significance.